The following is an entry in ClinVar:

ClinVar aggregate classification (germline): Uncertain significance. Review status: criteria provided, multiple submitters, no conflicts (2 of 4 stars). 2 submissions from 2 submitters: Uncertain significance (2). Last evaluated 2025-06-09.

Conditions:
3-methylglutaconic aciduria, type VIIB (MGCA7B). Also called: 3-methylglutaconic aciduria with cataracts, neurologic involvement and neutropenia; CLPB Deficiency; 3-methylglutaconic aciduria, type VII, with cataracts, neurologic involvement and neutropenia. Identifiers: Orphanet 445038, MedGen C5676893, MONDO:0014561, OMIM 616271.

Allele frequency attached by ClinVar (database versions not stated): gnomAD exomes below 0.00001; ExAC 0.00001; gnomAD 0.00001; TOPMed 0.00001.
gnomAD v4.1: 10 of 1,612,998 alleles (0.00062%); highest among the groups gnomAD compares: Non-Finnish European, 0.00068%; no homozygotes.

Submissions (2):

Labcorp Genetics (formerly Invitae), Labcorp
Classification: Uncertain significance for 3-methylglutaconic aciduria, type VIIB. Last evaluated: 2025-06-09. Review status: criteria provided, single submitter. Criteria: Invitae Variant Classification Sherloc (09022015). Collection method: clinical testing. Allele origin: germline.
Comment: This sequence change replaces alanine, which is neutral and non-polar, with threonine, which is neutral and polar, at codon 68 of the CLPB protein (p.Ala68Thr). This variant is present in population databases (rs201839411, gnomAD 0.002%). This variant has not been reported in the literature in individuals affected with CLPB-related conditions. ClinVar contains an entry for this variant (Variation ID: 2141771). An algorithm developed to predict the effect of missense changes on protein structure and function outputs the following: PolyPhen-2: "Benign". The threonine amino acid residue is found in multiple mammalian species, which suggests that this missense change does not adversely affect protein function. In summary, the available evidence is currently insufficient to determine the role of this variant in disease. Therefore, it has been classified as a Variant of Uncertain Significance.

GeneDx
Classification: Uncertain significance. Last evaluated: 2024-04-10. Review status: criteria provided, single submitter. Criteria: GeneDx Variant Classification Process June 2021. Collection method: clinical testing. Allele origin: germline. Affected: yes.
Comment: In silico analysis indicates that this missense variant does not alter protein structure/function; Has not been previously published as pathogenic or benign to our knowledge

NM_001258392.3(CLPB):c.202G>A (p.Ala68Thr)

Genes: CLPB (ClpB family mitochondrial disaggregase; minus strand), LOC130006336 (ATAC-STARR-seq lymphoblastoid active region 5191; plus strand). Cytogenetic location: 11q13.4.
Variant type: single nucleotide variant.
Coding change: c.202G>A on transcript NM_001258392.3 (MANE Select); coding-DNA position 202, G replaced by A.
Protein change: p.Ala68Thr; replaces alanine 68 with threonine.
Molecular consequence: missense variant. On other transcripts: 5 prime UTR variant (1).
Genome position (GRCh38, 1-based): chr11:72,434,273, C>T on the plus strand (G>A on the coding strand, the complement: CLPB is on the minus strand). VCF-style: chr11-72434273-C-T. GRCh37 (hg19) VCF-style: chr11-72145317-C-T.
Other names: c.202G>A, p.Ala68Thr (NM_001258393.3, NM_030813.6); c.-41G>A (NM_001258394.3); c.202G>A (NM_030813.5); short protein forms A68T.
Identifiers: ClinVar variation 2141771 (VCV002141771.5), dbSNP rs201839411, ClinGen allele CA6171653.